The following is an entry in ClinVar:

NM_013450.4(BAZ2B):c.5158A>C (p.Arg1720=)

Gene: BAZ2B (bromodomain adjacent to zinc finger domain 2B; minus strand). Cytogenetic location: 2q24.2.
Variant type: single nucleotide variant.
Coding change: c.5158A>C on transcript NM_013450.4 (MANE Select); coding-DNA position 5158, A replaced by C.
Protein change: p.Arg1720=; no amino-acid change (arginine 1720 retained).
Molecular consequence: synonymous variant.
Genome position (GRCh38, 1-based): chr2:159,348,813, T>G on the plus strand (A>C on the coding strand, the complement: BAZ2B is on the minus strand). VCF-style: chr2-159348813-T-G. GRCh37 (hg19) VCF-style: chr2-160205324-T-G.
Other names: c.5050A>C, p.Arg1684= (NM_001289975.1); c.4996A>C, p.Arg1666= (NM_001329857.2); c.5083A>C, p.Arg1695= (NM_001329858.2).
Identifiers: ClinVar variation 3052359 (VCV003052359.12), dbSNP rs11679175, ClinGen allele CA1923959.
Genomic context (GRCh38, chr2:159,348,813, plus strand): 5'-TTATTCCTCTGAGATGCAGCACTTTGAGCAAAGCTTTTAGGTCCTCTGGGTCAATAATTC[T>G]CCACCAACCAAACTGCATTTCTAAGTCAAGATAAATAAGTAGAACTTTTACAAATATTTT-3'
Protein context (NP_038478.2, residues 1710-1730): IPEEMQFGWW[Arg1720=]IIDPEDLKAL

ClinVar aggregate classification (germline): Likely benign. Review status: criteria provided, single submitter (1 of 4 stars). 2 submissions from 2 submitters: Likely benign (1). 1 of the submissions does not count toward it. Last evaluated 2025-05-01.

Conditions:
BAZ2B-related disorder. Also called: BAZ2B-related condition.

Allele frequency attached by ClinVar (database versions not stated): 1000 Genomes Project 30x 0.00031; 1000 Genomes Project 0.00040; ExAC 0.00044; gnomAD 0.00056; TOPMed 0.00071; ESP Exome Variant Server 0.00102; gnomAD exomes 0.00113.
gnomAD v4.1: 1,726 of 1,600,910 alleles (0.11%); highest among the groups gnomAD compares: Non-Finnish European, 0.14%; 1 homozygote.

Submissions (2):

CeGaT Center for Human Genetics Tuebingen
Classification: Likely benign. Last evaluated: 2025-05-01. Review status: criteria provided, single submitter. Criteria: CeGaT Center For Human Genetics Tuebingen Variant Classification Criteria Version 2. Collection method: clinical testing. Allele origin: germline. Affected: yes. Observed: 1 variant allele.
Comment: BAZ2B: BP4, BS1

PreventionGenetics, part of Exact Sciences
Classification: Likely benign for BAZ2B-related condition. Last evaluated: 2019-03-18. Review status: no assertion criteria provided. Collection method: clinical testing. Allele origin: germline. Not counted in ClinVar's aggregate classification.
Comment: This variant is classified as likely benign based on ACMG/AMP sequence variant interpretation guidelines (Richards et al. 2015 PMID: 25741868, with internal and published modifications).